The following is an entry in ClinVar:

NM_001081.4(CUBN):c.4669C>T (p.Leu1557Phe)

Gene: CUBN (cubilin; minus strand). Cytogenetic location: 10p13.
Variant type: single nucleotide variant.
Coding change: c.4669C>T on transcript NM_001081.4 (MANE Select); coding-DNA position 4669, C replaced by T.
Protein change: p.Leu1557Phe; replaces leucine 1557 with phenylalanine.
Molecular consequence: missense variant.
Genome position (GRCh38, 1-based): chr10:16,982,510, G>A on the plus strand (C>T on the coding strand, the complement: CUBN is on the minus strand). VCF-style: chr10-16982510-G-A. GRCh37 (hg19) VCF-style: chr10-17024509-G-A.
Other names: p.Leu1557Phe; short protein forms L1557F.
Identifiers: ClinVar variation 546272 (VCV000546272.21), dbSNP rs140970422, ClinGen allele CA5424315.
Genomic context (GRCh38, chr10:16,982,510, plus strand): 5'-ACTGGAGACAATGCTTGAAATTTATGTCACTTACCATAATACAAGAGTCTTGTGGTTCAA[G>A]ATCAAAGTCAGTGAAGTTCAAGAGAACACGATGATTTCTGTCAACCCGAATGACCCAAGA-3'
Protein context (NP_001072.2, residues 1547-1567): RVLLNFTDFD[Leu1557Phe]EPQDSCIMAY

ClinVar aggregate classification (germline): Conflicting classifications of pathogenicity. Review status: criteria provided, conflicting classifications (1 of 4 stars). 6 submissions from 6 submitters: Uncertain significance (4); Likely benign (1). 1 of the submissions does not count toward it. Last evaluated 2026-08-19.

Conditions:
CUBN-related disorder. Also called: CUBN-related condition.
Imerslund-Grasbeck syndrome type 1 (IGS1). Also called: Megaloblastic anemia 1, Finnish type; MEGALOBLASTIC ANEMIA, 1; Imerslund-Gräsbeck syndrome 1. Identifiers: MedGen C4016819, MONDO:0100156, OMIM 261100.
Imerslund-Grasbeck syndrome. Also called: PERNICIOUS ANEMIA, JUVENILE, DUE TO SELECTIVE INTESTINAL MALABSORPTION OF VITAMIN B12, WITH PROTEINURIA; Megaloblastic anemia due to inborn errors of metabolism; ENTEROCYTE COBALAMIN MALABSORPTION; ENTEROCYTE INTRINSIC FACTOR RECEPTOR, DEFECT OF; Imerslund-Gräsbeck syndrome. Identifiers: Orphanet 35858, MedGen C4551825, MONDO:0009853.

Allele frequency attached by ClinVar (database versions not stated): ExAC 0.00065; gnomAD 0.00061 and 0.00064; ESP Exome Variant Server 0.00046; TOPMed 0.00025; gnomAD exomes 0.00049 and 0.00058.

Submissions (6):

GeneDx
Classification: Uncertain significance. Last evaluated: 2026-08-19. Review status: criteria provided, single submitter. Criteria: GeneDx Variant Classification Process June 2021. Collection method: clinical testing. Allele origin: germline.
Comment: Has not been previously published as pathogenic or benign to our knowledge; In silico analysis supports that this missense variant has a deleterious effect on protein structure/function

Labcorp Genetics (formerly Invitae), Labcorp
Classification: Likely benign for Imerslund-Grasbeck syndrome. Last evaluated: 2025-12-15. Review status: criteria provided, single submitter. Criteria: Invitae Variant Classification Sherloc (09022015). Collection method: clinical testing. Allele origin: germline.

Mayo Clinic Laboratories, Mayo Clinic
Classification: Uncertain significance. Last evaluated: 2023-03-20. Review status: criteria provided, single submitter. Criteria: ACMG Guidelines, 2015. Collection method: clinical testing. Allele origin: germline. Observed: 1 variant allele.
Comment: BP4, PM2

Baylor Genetics
Classification: Uncertain significance for Imerslund-Grasbeck syndrome type 1. Last evaluated: 2019-01-30. Review status: criteria provided, single submitter. Criteria: ACMG Guidelines, 2015. Collection method: clinical testing. Allele origin: paternal. Affected: yes.
Comment: This variant was determined to be of uncertain significance according to ACMG Guidelines, 2015 [PMID:25741868].

Illumina Laboratory Services, Illumina
Classification: Uncertain significance for Imerslund-Grasbeck syndrome type 1. Last evaluated: 2018-01-13. Review status: criteria provided, single submitter. Criteria: ICSL Variant Classification Criteria 13 December 2019. Collection method: clinical testing. Allele origin: germline.

PreventionGenetics, part of Exact Sciences
Classification: Likely benign for CUBN-related condition. Last evaluated: 2022-12-20. Review status: no assertion criteria provided. Collection method: clinical testing. Allele origin: germline. Not counted in ClinVar's aggregate classification.
Comment: This variant is classified as likely benign based on ACMG/AMP sequence variant interpretation guidelines (Richards et al. 2015 PMID: 25741868, with internal and published modifications).